The following is an entry in ClinVar:

ClinVar aggregate classification (germline): Uncertain significance. Review status: criteria provided, single submitter (1 of 4 stars). 2 submissions from 2 submitters: Uncertain significance (1). 1 of the submissions does not count toward it. Last evaluated 2021-06-11.

Conditions:
PXDNL-related disorder. Also called: PXDNL-related condition.

Allele frequency attached by ClinVar (database versions not stated): gnomAD 0.00012; TOPMed 0.00013; ExAC 0.00014; ESP Exome Variant Server 0.00016.
gnomAD v4.1: 163 of 1,570,808 alleles (0.01%); highest among the groups gnomAD compares: East Asian, 0.011%; no homozygotes.

Submissions (2):

Ambry Genetics
Classification: Uncertain significance. Last evaluated: 2021-06-11. Review status: criteria provided, single submitter. Criteria: Ambry Variant Classification Scheme 2023. Collection method: clinical testing. Allele origin: germline.

PreventionGenetics, part of Exact Sciences
Classification: Likely benign for PXDNL-related condition. Last evaluated: 2020-06-17. Review status: no assertion criteria provided. Collection method: clinical testing. Allele origin: germline. Not counted in ClinVar's aggregate classification.
Comment: This variant is classified as likely benign based on ACMG/AMP sequence variant interpretation guidelines (Richards et al. 2015 PMID: 25741868, with internal and published modifications).

NM_144651.5(PXDNL):c.2827G>A (p.Glu943Lys)

Gene: PXDNL (peroxidasin like; minus strand). Cytogenetic location: 8q11.22.
Variant type: single nucleotide variant.
Coding change: c.2827G>A on transcript NM_144651.5 (MANE Select); coding-DNA position 2827, G replaced by A.
Protein change: p.Glu943Lys; replaces glutamic acid 943 with lysine.
Molecular consequence: missense variant.
Genome position (GRCh38, 1-based): chr8:51,408,797, C>T on the plus strand (G>A on the coding strand, the complement: PXDNL is on the minus strand). VCF-style: chr8-51408797-C-T. GRCh37 (hg19) VCF-style: chr8-52321357-C-T.
Other names: short protein forms E943K.
Identifiers: ClinVar variation 2374279 (VCV002374279.4), dbSNP rs201569799, ClinGen allele CA4744943.